The following is an entry in ClinVar:

ClinVar aggregate classification (germline): Likely benign. Review status: criteria provided, multiple submitters, no conflicts (2 of 4 stars). 2 submissions from 2 submitters: Likely benign (2). Last evaluated 2025-02-24.

Conditions:
Familial temporal lobe epilepsy 7. Identifiers: Orphanet 101046, MedGen C4225327, MONDO:0014639, OMIM 616436.
Norman-Roberts syndrome (LIS2). Also called: Lissencephaly 2 (Norman-Roberts type). Identifiers: Orphanet 89844, MedGen C0796089, MONDO:0009760, OMIM 257320.

Allele frequency attached by ClinVar (database versions not stated): TOPMed 0.00001; ExAC 0.00002; gnomAD 0.00002; gnomAD exomes 0.00002; ESP Exome Variant Server 0.00008.
gnomAD v4.1: 31 of 1,614,026 alleles (0.0019%); highest among the groups gnomAD compares: Non-Finnish European, 0.0024%; no homozygotes.

Submissions (2):

Labcorp Genetics (formerly Invitae), Labcorp
Classification: Likely benign for Familial temporal lobe epilepsy 7; Norman-Roberts syndrome. Last evaluated: 2025-02-24. Review status: criteria provided, single submitter. Criteria: Invitae Variant Classification Sherloc (09022015). Collection method: clinical testing. Allele origin: germline.

CeGaT Center for Human Genetics Tuebingen
Classification: Likely benign. Last evaluated: 2023-10-01. Review status: criteria provided, single submitter. Criteria: CeGaT Center For Human Genetics Tuebingen Variant Classification Criteria Version 2. Collection method: clinical testing. Allele origin: germline. Affected: yes. Observed: 1 variant allele.
Comment: RELN: BP4, BP7

NM_005045.4(RELN):c.8004C>T (p.Thr2668=)

Gene: RELN (reelin; minus strand). Cytogenetic location: 7q22.1.
Variant type: single nucleotide variant.
Coding change: c.8004C>T on transcript NM_005045.4 (MANE Select); coding-DNA position 8004, C replaced by T.
Protein change: p.Thr2668=; no amino-acid change (threonine 2668 retained).
Molecular consequence: synonymous variant.
Genome position (GRCh38, 1-based): chr7:103,515,300, G>A on the plus strand (C>T on the coding strand, the complement: RELN is on the minus strand). VCF-style: chr7-103515300-G-A. GRCh37 (hg19) VCF-style: chr7-103155747-G-A.
Other names: c.8004C>T, p.Thr2668= (NM_173054.3).
Identifiers: ClinVar variation 542604 (VCV000542604.35), dbSNP rs368087558, ClinGen allele CA4420590.